The following is an entry in ClinVar:

NM_001267550.2(TTN):c.66959G>A (p.Arg22320His)

Genes: TTN-AS1 (TTN antisense RNA 1; plus strand), TTN (titin; minus strand). Cytogenetic location: 2q31.2.
Variant type: single nucleotide variant.
Coding change: c.66959G>A on transcript NM_001267550.2 (MANE Select); coding-DNA position 66959, G replaced by A.
Protein change: p.Arg22320His; replaces arginine 22320 with histidine.
Molecular consequence: missense variant.
Genome position (GRCh38, 1-based): chr2:178,580,420, C>T on the plus strand (G>A on the coding strand, the complement: TTN is on the minus strand). VCF-style: chr2-178580420-C-T. GRCh37 (hg19) VCF-style: chr2-179445147-C-T.
Other names: c.62036G>A, p.Arg20679His (NM_001256850.1); c.39764G>A, p.Arg13255His (NM_003319.4); c.40139G>A, p.Arg13380His (NM_133432.3); c.40340G>A, p.Arg13447His (NM_133437.4); c.59255G>A, p.Arg19752His (NM_133378.4); short protein forms R19752H, R22320H, R13255H, R13447H, R13380H, R20679H.
Identifiers: ClinVar variation 229495 (VCV000229495.6), dbSNP rs771424865, ClinGen allele CA1991396.

ClinVar aggregate classification (germline): Uncertain significance. Review status: criteria provided, multiple submitters, no conflicts (2 of 4 stars). 2 submissions from 2 submitters: Uncertain significance (2). Last evaluated 2025-10-12.

Conditions:
TTN-related disorder. Also called: TTN-related disorders; TTN-related condition; TTN-related disease.

Allele frequency attached by ClinVar (database versions not stated): ExAC 0.00004; gnomAD exomes 0.00004; gnomAD 0.00005; TOPMed 0.00005.
gnomAD v4.1: 44 of 1,613,062 alleles (0.0027%); highest among the groups gnomAD compares: Middle Eastern, 0.016%; no homozygotes.

Submissions (2):

PreventionGenetics, part of Exact Sciences
Classification: Uncertain significance for TTN-related condition. Last evaluated: 2025-10-12. Review status: criteria provided, single submitter. Criteria: ACMG Guidelines, 2015. Collection method: clinical testing. Allele origin: germline.
Comment: The TTN c.66959G>A variant is predicted to result in the amino acid substitution p.Arg22320His. To our knowledge, this variant has not been reported in the literature. This variant is reported in 0.0085% of alleles in individuals of Latino descent in gnomAD. At this time, the clinical significance of this variant is uncertain due to the absence of conclusive functional and genetic evidence.

Laboratory for Molecular Medicine, Mass General Brigham Personalized Medicine
Classification: Uncertain significance. Last evaluated: 2015-04-04. Review status: criteria provided, single submitter. Criteria: LMM Criteria. Collection method: clinical testing. Allele origin: germline. Observed: 1 variant allele.
Comment: The p.Arg19752His variant in TTN has not been previously reported in individuals with cardiomyopathy, but has been identified in 2/6570 Finnish chromosomes and in 2/11522 Latino chromosomes by the Exome Aggregation Consortium Sequencing Pro ject. Computational prediction tools and conser vation analyses do not provide strong support for or against an impact to the pr otein. In summary, the clinical significance of the p.Arg19752His variant is unc ertain.